The following is an entry in ClinVar:

ClinVar aggregate classification (germline): Uncertain significance. Review status: criteria provided, multiple submitters, no conflicts (2 of 4 stars). 3 submissions from 3 submitters: Uncertain significance (3). Last evaluated 2025-02-04.

Conditions:
Hereditary spastic paraplegia 73. Also called: Spastic paraplegia 73, autosomal dominant. Identifiers: Orphanet 444099, MedGen C5568981, MONDO:0014568, OMIM 616282.

Allele frequency attached by ClinVar (database versions not stated): gnomAD exomes 0.00001; ExAC 0.00002; gnomAD 0.00003; TOPMed 0.00003; ESP Exome Variant Server 0.00008.
gnomAD v4.1: 23 of 1,510,520 alleles (0.0015%); highest among the groups gnomAD compares: Admixed American, 0.013%; no homozygotes.

Submissions (3):

Labcorp Genetics (formerly Invitae), Labcorp
Classification: Uncertain significance for Hereditary spastic paraplegia 73. Last evaluated: 2025-02-04. Review status: criteria provided, single submitter. Criteria: Invitae Variant Classification Sherloc (09022015). Collection method: clinical testing. Allele origin: germline.
Comment: This sequence change replaces proline, which is neutral and non-polar, with leucine, which is neutral and non-polar, at codon 418 of the CPT1C protein (p.Pro418Leu). The frequency data for this variant in the population databases is considered unreliable, as metrics indicate poor data quality at this position in the gnomAD database. This variant has not been reported in the literature in individuals affected with CPT1C-related conditions. ClinVar contains an entry for this variant (Variation ID: 2346529). An algorithm developed to predict the effect of missense changes on protein structure and function (PolyPhen-2) suggests that this variant is likely to be disruptive. In summary, the available evidence is currently insufficient to determine the role of this variant in disease. Therefore, it has been classified as a Variant of Uncertain Significance.

Mayo Clinic Laboratories, Mayo Clinic
Classification: Uncertain significance. Last evaluated: 2024-07-03. Review status: criteria provided, single submitter. Criteria: ACMG Guidelines, 2015. Collection method: clinical testing. Allele origin: germline. Observed: 1 variant allele.
Comment: BS2

Ambry Genetics
Classification: Uncertain significance. Last evaluated: 2021-08-16. Review status: criteria provided, single submitter. Criteria: Ambry Variant Classification Scheme 2023. Collection method: clinical testing. Allele origin: germline.

NM_001199753.2(CPT1C):c.1286C>T (p.Pro429Leu)

Gene: CPT1C (carnitine palmitoyltransferase 1C; plus strand). Cytogenetic location: 19q13.33.
Variant type: single nucleotide variant.
Coding change: c.1286C>T on transcript NM_001199753.2 (MANE Select); coding-DNA position 1286, C replaced by T.
Protein change: p.Pro429Leu; replaces proline 429 with leucine.
Molecular consequence: missense variant. On other transcripts: non-coding transcript variant (1).
Genome position (GRCh38, 1-based): chr19:49,706,356, C>T. VCF-style: chr19-49706356-C-T. GRCh37 (hg19) VCF-style: chr19-50209613-C-T.
Other names: p.Pro418Leu; c.1253C>T, p.Pro418Leu (NM_001136052.3, NM_001378485.1, NM_001378487.1); c.1286C>T, p.Pro429Leu (NM_001199752.3, NM_001378483.1, NM_001378484.1 and 3 more transcripts); c.1352C>T, p.Pro451Leu (NM_001378482.1); c.1253C>T (NM_001136052.2); short protein forms P451L, P418L, P429L.
Identifiers: ClinVar variation 2346529 (VCV002346529.4), dbSNP rs368513098, ClinGen allele CA9582133.